The following is an entry in ClinVar:

ClinVar aggregate classification (germline): Uncertain significance (1 of 4 stars; one submission).

Submission:

Labcorp Genetics (formerly Invitae), Labcorp
Classification: Uncertain significance. Last evaluated: 2025-03-31. Review status: criteria provided, single submitter. Criteria: Invitae Variant Classification Sherloc (09022015). Collection method: clinical testing. Allele origin: germline.
Comment: This sequence change replaces histidine, which is basic and polar, with tyrosine, which is neutral and polar, at codon 27 of the TRMT10C protein (p.His27Tyr). This variant is not present in population databases (gnomAD no frequency). This variant has not been reported in the literature in individuals affected with TRMT10C-related conditions. ClinVar contains an entry for this variant (Variation ID: 2835468). An algorithm developed to predict the effect of missense changes on protein structure and function (PolyPhen-2) suggests that this variant is likely to be tolerated. In summary, the available evidence is currently insufficient to determine the role of this variant in disease. Therefore, it has been classified as a Variant of Uncertain Significance.

NM_017819.4(TRMT10C):c.79C>T (p.His27Tyr)

Gene: TRMT10C (tRNA methyltransferase 10C, mitochondrial RNase P subunit; plus strand). Cytogenetic location: 3q12.3.
Variant type: single nucleotide variant.
Coding change: c.79C>T on transcript NM_017819.4 (MANE Select); coding-DNA position 79, C replaced by T.
Protein change: p.His27Tyr; replaces histidine 27 with tyrosine.
Molecular consequence: missense variant.
Genome position (GRCh38, 1-based): chr3:101,564,860, C>T. VCF-style: chr3-101564860-C-T. GRCh37 (hg19) VCF-style: chr3-101283704-C-T.
Other names: short protein forms H27Y.
Identifiers: ClinVar variation 2835468 (VCV002835468.3), dbSNP rs2545691724, ClinGen allele CA353861270.